The following is an entry in ClinVar:

ClinVar aggregate classification (germline): Uncertain significance (1 of 4 stars; one submission).

gnomAD v4.1: 38 of 1,597,120 alleles (0.0024%); highest among the groups gnomAD compares: Non-Finnish European, 0.003%; no homozygotes.

Submission:

Labcorp Genetics (formerly Invitae), Labcorp
Classification: Uncertain significance. Last evaluated: 2024-03-16. Review status: criteria provided, single submitter. Criteria: Invitae Variant Classification Sherloc (09022015). Collection method: clinical testing. Allele origin: germline.
Comment: This sequence change replaces valine, which is neutral and non-polar, with alanine, which is neutral and non-polar, at codon 598 of the BCL11B protein (p.Val598Ala). This variant is present in population databases (rs756887977, gnomAD 0.009%). This variant has not been reported in the literature in individuals affected with BCL11B-related conditions. Advanced modeling of protein sequence and biophysical properties (such as structural, functional, and spatial information, amino acid conservation, physicochemical variation, residue mobility, and thermodynamic stability) performed at Invitae indicates that this missense variant is not expected to disrupt BCL11B protein function with a negative predictive value of 80%. In summary, the available evidence is currently insufficient to determine the role of this variant in disease. Therefore, it has been classified as a Variant of Uncertain Significance.

NM_138576.4(BCL11B):c.1793T>C (p.Val598Ala)

Gene: BCL11B (BCL11 transcription factor B; minus strand). Cytogenetic location: 14q32.2.
Variant type: single nucleotide variant.
Coding change: c.1793T>C on transcript NM_138576.4 (MANE Select); coding-DNA position 1793, T replaced by C.
Protein change: p.Val598Ala; replaces valine 598 with alanine.
Molecular consequence: missense variant.
Genome position (GRCh38, 1-based): chr14:99,175,043, A>G on the plus strand (T>C on the coding strand, the complement: BCL11B is on the minus strand). VCF-style: chr14-99175043-A-G. GRCh37 (hg19) VCF-style: chr14-99641380-A-G.
Other names: c.1790T>C, p.Val597Ala (NM_001282237.2); c.1577T>C, p.Val526Ala (NM_001282238.2); c.1580T>C, p.Val527Ala (NM_022898.3); short protein forms V526A, V527A, V597A, V598A.
Identifiers: ClinVar variation 3622522 (VCV003622522.2).